The following is an entry in ClinVar:

NM_014806.5(RUSC2):c.2109C>G (p.Phe703Leu)

Gene: RUSC2 (RUN and SH3 domain containing 2; plus strand). Cytogenetic location: 9p13.3.
Variant type: single nucleotide variant.
Coding change: c.2109C>G on transcript NM_014806.5 (MANE Select); coding-DNA position 2109, C replaced by G.
Protein change: p.Phe703Leu; replaces phenylalanine 703 with leucine.
Molecular consequence: missense variant. On other transcripts: 5 prime UTR variant (1), non-coding transcript variant (1).
Genome position (GRCh38, 1-based): chr9:35,555,154, C>G. VCF-style: chr9-35555154-C-G. GRCh37 (hg19) VCF-style: chr9-35555151-C-G.
Other names: c.2109C>G (NM_001135999.1); c.2109C>G, p.Phe703Leu (NM_001135999.2); c.-526C>G (NM_001330740.2); short protein forms F703L.
Identifiers: ClinVar variation 1461867 (VCV001461867.6), dbSNP rs754308469, ClinGen allele CA5043805.

ClinVar aggregate classification (germline): Uncertain significance. Review status: criteria provided, multiple submitters, no conflicts (2 of 4 stars). 3 submissions from 3 submitters: Uncertain significance (3). Last evaluated 2023-06-28.

gnomAD v4.1: 12 of 1,613,760 alleles (0.00074%); highest among the groups gnomAD compares: Non-Finnish European, 0.00076%; no homozygotes.

Submissions (3):

Ambry Genetics
Classification: Uncertain significance. Last evaluated: 2023-06-28. Review status: criteria provided, single submitter. Criteria: Ambry Variant Classification Scheme 2023. Collection method: clinical testing. Allele origin: germline.

Blueprint Genetics
Classification: Uncertain significance. Last evaluated: 2022-01-11. Review status: criteria provided, single submitter. Criteria: ACMG Guidelines, 2015. Collection method: clinical testing. Allele origin: germline.

Labcorp Genetics (formerly Invitae), Labcorp
Classification: Uncertain significance. Last evaluated: 2021-12-23. Review status: criteria provided, single submitter. Criteria: Invitae Variant Classification Sherloc (09022015). Collection method: clinical testing. Allele origin: germline.
Comment: This sequence change replaces phenylalanine, which is neutral and non-polar, with leucine, which is neutral and non-polar, at codon 703 of the RUSC2 protein (p.Phe703Leu). This variant is present in population databases (rs754308469, gnomAD 0.005%). This variant has not been reported in the literature in individuals affected with RUSC2-related conditions. Algorithms developed to predict the effect of missense changes on protein structure and function are either unavailable or do not agree on the potential impact of this missense change (SIFT: "Deleterious"; PolyPhen-2: "Benign"; Align-GVGD: "Class C15"). In summary, the available evidence is currently insufficient to determine the role of this variant in disease. Therefore, it has been classified as a Variant of Uncertain Significance.